The following is an entry in ClinVar:

NM_018255.4(ELP2):c.375A>C (p.Ala125=)

Gene: ELP2 (elongator acetyltransferase complex subunit 2; plus strand). Cytogenetic location: 18q12.2.
Variant type: single nucleotide variant.
Coding change: c.375A>C on transcript NM_018255.4 (MANE Select); coding-DNA position 375, A replaced by C.
Protein change: p.Ala125=; no amino-acid change (alanine 125 retained).
Molecular consequence: synonymous variant. On other transcripts: 5 prime UTR variant (1), non-coding transcript variant (4).
Genome position (GRCh38, 1-based): chr18:36,138,356, A>C. VCF-style: chr18-36138356-A-C. GRCh37 (hg19) VCF-style: chr18-33718319-A-C.
Other names: c.375A>C, p.Ala125= (NM_001242875.3, NM_001242876.3, NM_001242877.3 and 5 more transcripts); c.-73A>C (NM_001324468.2).
Identifiers: ClinVar variation 745201 (VCV000745201.24), dbSNP rs558363966, ClinGen allele CA8939581.

ClinVar aggregate classification (germline): Likely benign. Review status: criteria provided, multiple submitters, no conflicts (2 of 4 stars). 4 submissions from 4 submitters: Likely benign (3). 1 of the submissions does not count toward it. Last evaluated 2024-07-10.

Conditions:
ELP2-related disorder. Also called: ELP2-related condition; ELP2-Related Disorders.

Allele frequency attached by ClinVar (database versions not stated): gnomAD 0.00001 and 0.00003; TOPMed 0.00001; gnomAD exomes 0.00017; ExAC 0.00021; 1000 Genomes Project 30x 0.00031; 1000 Genomes Project 0.00040.
gnomAD v4.1: 81 of 1,614,120 alleles (0.005%); highest among the groups gnomAD compares: South Asian, 0.079%; no homozygotes.

Submissions (4):

Blueprint Genetics
Classification: Likely benign. Last evaluated: 2024-07-10. Review status: criteria provided, single submitter. Criteria: ACMG Guidelines, 2015. Collection method: clinical testing. Allele origin: germline.

CeGaT Center for Human Genetics Tuebingen
Classification: Likely benign. Last evaluated: 2024-06-01. Review status: criteria provided, single submitter. Criteria: CeGaT Center For Human Genetics Tuebingen Variant Classification Criteria Version 2. Collection method: clinical testing. Allele origin: germline. Affected: yes. Observed: 1 variant allele.
Comment: ELP2: BP4, BP7

Labcorp Genetics (formerly Invitae), Labcorp
Classification: Likely benign. Last evaluated: 2019-12-31. Review status: criteria provided, single submitter. Criteria: Invitae Variant Classification Sherloc (09022015). Collection method: clinical testing. Allele origin: germline.

PreventionGenetics, part of Exact Sciences
Classification: Likely benign for ELP2-related condition. Last evaluated: 2019-04-05. Review status: no assertion criteria provided. Collection method: clinical testing. Allele origin: germline. Not counted in ClinVar's aggregate classification.
Comment: This variant is classified as likely benign based on ACMG/AMP sequence variant interpretation guidelines (Richards et al. 2015 PMID: 25741868, with internal and published modifications).